The following is an entry in ClinVar:

NM_001165963.4(SCN1A):c.4295A>T (p.Lys1432Ile)

Genes: SCN1A (sodium voltage-gated channel alpha subunit 1; minus strand), LOC102724058 (uncharacterized LOC102724058; plus strand). Cytogenetic location: 2q24.3.
Variant type: single nucleotide variant.
Coding change: c.4295A>T on transcript NM_001165963.4 (MANE Select); coding-DNA position 4295, A replaced by T.
Protein change: p.Lys1432Ile; replaces lysine 1432 with isoleucine.
Molecular consequence: missense variant. On other transcripts: non-coding transcript variant (1).
Genome position (GRCh38, 1-based): chr2:165,999,766, T>A on the plus strand (A>T on the coding strand, the complement: SCN1A is on the minus strand). VCF-style: chr2-165999766-T-A. GRCh37 (hg19) VCF-style: chr2-166856276-T-A.
Other names: c.4211A>T, p.Lys1404Ile (NM_001165964.3, NM_001353957.2, NM_001353958.2); c.4295A>T, p.Lys1432Ile (NM_001202435.3, NM_001353948.2); c.4262A>T, p.Lys1421Ile (NM_001353949.2, NM_001353950.2, NM_001353951.2 and 2 more transcripts); c.4259A>T, p.Lys1420Ile (NM_001353954.2, NM_001353955.2); c.4208A>T, p.Lys1403Ile (NM_001353960.2); c.1853A>T, p.Lys618Ile (NM_001353961.2); short protein forms K1421I, K1403I, K1420I, K1432I, K618I, K1404I.
Identifiers: ClinVar variation 836631 (VCV000836631.10), dbSNP rs1690583220, ClinGen allele CA349049621.

ClinVar aggregate classification (germline): Pathogenic (1 of 4 stars; one submission).

Conditions:
Early-infantile DEE. Also called: Ohtahara syndrome; Early infantile epileptic encephalopathy with suppression bursts; Early infantile epileptic encephalopathy. Identifiers: Orphanet 1934, MedGen C0393706, MONDO:0800491.

Submission:

Labcorp Genetics (formerly Invitae), Labcorp
Classification: Pathogenic for Early-infantile DEE. Last evaluated: 2019-05-20. Review status: criteria provided, single submitter. Criteria: Invitae Variant Classification Sherloc (09022015). Collection method: clinical testing. Allele origin: germline.
Comment: This sequence change replaces lysine with isoleucine at codon 1432 of the SCN1A protein (p.Lys1432Ile). The lysine residue is highly conserved and there is a moderate physicochemical difference between lysine and isoleucine. This variant is not present in population databases (ExAC no frequency). Algorithms developed to predict the effect of missense changes on protein structure and function (SIFT, PolyPhen-2, Align-GVGD) all suggest that this variant is likely to be disruptive, but these predictions have not been confirmed by published functional studies and their clinical significance is uncertain. This variant disrupts the p.Lys1432 amino acid residue in SCN1A. Other variant(s) that disrupt this residue have been observed in individuals with SCN1A-related conditions (PMID: 25459968), which suggests that this may be a clinically significant amino acid residue. For these reasons, this variant has been classified as Pathogenic.

Literature cited by the submitters: PubMed 25459968.